The following is an entry in ClinVar:

ClinVar aggregate classification (germline): Conflicting classifications of pathogenicity. Review status: criteria provided, conflicting classifications (1 of 4 stars). 3 submissions from 3 submitters: Uncertain significance (1); Likely benign (1). 1 of the submissions does not count toward it. Last evaluated 2024-07-09.

Conditions:
TBX3-related disorder. Also called: TBX3-related condition.
Inborn genetic diseases. Identifiers: MedGen C0950123, MeSH D030342.

Allele frequency attached by ClinVar (database versions not stated): TOPMed 0.00012; gnomAD 0.00013; ESP Exome Variant Server 0.00016; ExAC 0.00025.

Submissions (3):

Ambry Genetics
Classification: Uncertain significance for Inborn genetic diseases. Last evaluated: 2024-07-09. Review status: criteria provided, single submitter. Criteria: Ambry Variant Classification Scheme 2023. Collection method: clinical testing. Allele origin: germline.

CeGaT Center for Human Genetics Tuebingen
Classification: Likely benign. Last evaluated: 2024-04-01. Review status: criteria provided, single submitter. Criteria: CeGaT Center For Human Genetics Tuebingen Variant Classification Criteria Version 2. Collection method: clinical testing. Allele origin: germline. Affected: yes. Observed: 1 variant allele.
Comment: TBX3: BS2

PreventionGenetics, part of Exact Sciences
Classification: Likely benign for TBX3-related condition. Last evaluated: 2021-09-26. Review status: no assertion criteria provided. Collection method: clinical testing. Allele origin: germline. Not counted in ClinVar's aggregate classification.
Comment: This variant is classified as likely benign based on ACMG/AMP sequence variant interpretation guidelines (Richards et al. 2015 PMID: 25741868, with internal and published modifications).

NM_005996.4(TBX3):c.97G>T (p.Val33Leu)

Genes: TBX3 (T-box transcription factor 3; minus strand), TBX3-AS1 (TBX3 antisense RNA 1; plus strand). Cytogenetic location: 12q24.21.
Variant type: single nucleotide variant.
Coding change: c.97G>T on transcript NM_005996.4 (MANE Select); coding-DNA position 97, G replaced by T.
Protein change: p.Val33Leu; replaces valine 33 with leucine.
Molecular consequence: missense variant.
Genome position (GRCh38, 1-based): chr12:114,683,104, C>A on the plus strand (G>T on the coding strand, the complement: TBX3 is on the minus strand). VCF-style: chr12-114683104-C-A. GRCh37 (hg19) VCF-style: chr12-115120909-C-A.
Other names: c.97G>T (NM_016569.3); c.97G>T, p.Val33Leu (NM_016569.4); short protein forms V33L.
Identifiers: ClinVar variation 2359784 (VCV002359784.24), dbSNP rs147270297, ClinGen allele CA6810269.